The following is an entry in ClinVar:

ClinVar aggregate classification (germline): Uncertain significance (1 of 4 stars; one submission).

Submission:

GeneDx
Classification: Uncertain significance. Last evaluated: 2026-04-16. Review status: criteria provided, single submitter. Criteria: GeneDx Variant Classification Process June 2021. Collection method: clinical testing. Allele origin: germline.
Comment: Not observed at significant frequency in large population cohorts (gnomAD); In silico analysis suggests that this missense variant does not alter protein structure/function; Has not been previously published as pathogenic or benign to our knowledge

NM_025009.5(CEP135):c.649C>G (p.Gln217Glu)

Gene: CEP135 (centrosomal protein 135; plus strand). Cytogenetic location: 4q12.
Variant type: single nucleotide variant.
Coding change: c.649C>G on transcript NM_025009.5 (MANE Select); coding-DNA position 649, C replaced by G.
Protein change: p.Gln217Glu; replaces glutamine 217 with glutamic acid.
Molecular consequence: missense variant.
Genome position (GRCh38, 1-based): chr4:55,959,716, C>G. VCF-style: chr4-55959716-C-G. GRCh37 (hg19) VCF-style: chr4-56825882-C-G.
Other names: short protein forms Q217E.
Identifiers: ClinVar variation 5037706 (VCV005037706.1).
Genomic context (GRCh38, chr4:55,959,716, plus strand): 5'-TGGCATTAATTTAAAGTGCTTTTCAGGATTCAAGAACTTCAACAGGAAGTCCACCAGCTA[C>G]AAGAAAAGTTAGCAATGATGGAAAGTGGGGTGAGAGACTATAGCAAGCAGGTAGGATTTT-3'
Protein context (NP_079285.2, residues 207-227): QELQQEVHQL[Gln217Glu]EKLAMMESGV